The following is an entry in ClinVar:

ClinVar aggregate classification (germline): Likely benign (0 of 4 stars; one submission).

Conditions:
UGT1A9-related disorder. Also called: UGT1A9-related condition.

gnomAD v4.1: 1,748 of 1,610,580 alleles (0.11%); highest among the groups gnomAD compares: Admixed American, 0.18%; 1 homozygote.

Submission:

PreventionGenetics, part of Exact Sciences
Classification: Likely benign for UGT1A9-related condition. Last evaluated: 2024-07-01. Review status: no assertion criteria provided. Collection method: clinical testing. Allele origin: germline.
Comment: This variant is classified as likely benign based on ACMG/AMP sequence variant interpretation guidelines (Richards et al. 2015 PMID: 25741868, with internal and published modifications).

NM_021027.3(UGT1A9):c.8G>A (p.Cys3Tyr)

Genes: UGT1A (UDP glucuronosyltransferase family 1 member A complex locus; plus strand), UGT1A10 (UDP glucuronosyltransferase family 1 member A10; plus strand), UGT1A8 (UDP glucuronosyltransferase family 1 member A8; plus strand), UGT1A9 (UDP glucuronosyltransferase family 1 member A9; plus strand). Cytogenetic location: 2q37.1.
Variant type: single nucleotide variant.
Coding change: c.8G>A on transcript NM_021027.3 (MANE Select); coding-DNA position 8, G replaced by A.
Protein change: p.Cys3Tyr; replaces cysteine 3 with tyrosine.
Molecular consequence: missense variant. On other transcripts: intron variant (2).
Genome position (GRCh38, 1-based): chr2:233,671,942, G>A. VCF-style: chr2-233671942-G-A. GRCh37 (hg19) VCF-style: chr2-234580588-G-A.
Other names: c.855+53380G>A (NM_019076.5); c.855+34565G>A (NM_019075.4); short protein forms C3Y.
Identifiers: ClinVar variation 3358191 (VCV003358191.1).